The following is an entry in ClinVar:

ClinVar aggregate classification (germline): Uncertain significance. Review status: criteria provided, multiple submitters, no conflicts (2 of 4 stars). 3 submissions from 3 submitters: Uncertain significance (3). Last evaluated 2024-10-28.

Conditions:
Inborn genetic diseases. Identifiers: MedGen C0950123, MeSH D030342.
Cardiac valvular defect, developmental (CVDP1). Also called: CARDIAC VALVULAR DYSPLASIA 1. Identifiers: MedGen C5774175, MONDO:0008913, OMIM 212093.

Allele frequency attached by ClinVar (database versions not stated): gnomAD exomes 0.00002; ExAC 0.00003; gnomAD 0.00008; TOPMed 0.00011; 1000 Genomes Project 30x 0.00016; 1000 Genomes Project 0.00020.
gnomAD v4.1: 45 of 1,613,884 alleles (0.0028%); highest among the groups gnomAD compares: African/African-American, 0.025%; no homozygotes.

Submissions (3):

Ambry Genetics
Classification: Uncertain significance for Inborn genetic diseases. Last evaluated: 2024-10-28. Review status: criteria provided, single submitter. Criteria: Ambry Variant Classification Scheme 2023. Collection method: clinical testing. Allele origin: germline.

Labcorp Genetics (formerly Invitae), Labcorp
Classification: Uncertain significance. Last evaluated: 2023-03-13. Review status: criteria provided, single submitter. Criteria: Invitae Variant Classification Sherloc (09022015). Collection method: clinical testing. Allele origin: germline.
Comment: This sequence change replaces glycine, which is neutral and non-polar, with serine, which is neutral and polar, at codon 834 of the PLD1 protein (p.Gly834Ser). In summary, the available evidence is currently insufficient to determine the role of this variant in disease. Therefore, it has been classified as a Variant of Uncertain Significance. Advanced modeling of protein sequence and biophysical properties (such as structural, functional, and spatial information, amino acid conservation, physicochemical variation, residue mobility, and thermodynamic stability) performed at Invitae indicates that this missense variant is not expected to disrupt PLD1 protein function. ClinVar contains an entry for this variant (Variation ID: 1704369). This missense change has been observed in individual(s) with clinical features of PLD1-related conditions (Invitae). In at least one individual the data is consistent with being in trans (on the opposite chromosome) from a pathogenic variant. This variant is present in population databases (rs142188788, gnomAD 0.01%).

Johns Hopkins Genomics, Johns Hopkins University
Classification: Uncertain significance for Cardiac valvular defect, developmental. Last evaluated: 2022-04-09. Review status: criteria provided, single submitter. Criteria: ACMG Guidelines, 2015. Collection method: clinical testing. Allele origin: germline.

Literature cited by the submitters: PubMed 27799408 (cited by Johns Hopkins Genomics, Johns Hopkins University); PubMed 33645542 (cited by Johns Hopkins Genomics, Johns Hopkins University).

NM_002662.5(PLD1):c.2500G>A (p.Gly834Ser)

Gene: PLD1 (phospholipase D1; minus strand). Cytogenetic location: 3q26.31.
Variant type: single nucleotide variant.
Coding change: c.2500G>A on transcript NM_002662.5 (MANE Select); coding-DNA position 2500, G replaced by A.
Protein change: p.Gly834Ser; replaces glycine 834 with serine.
Molecular consequence: missense variant.
Genome position (GRCh38, 1-based): chr3:171,644,953, C>T on the plus strand (G>A on the coding strand, the complement: PLD1 is on the minus strand). VCF-style: chr3-171644953-C-T. GRCh37 (hg19) VCF-style: chr3-171362743-C-T.
Other names: c.2386G>A, p.Gly796Ser (NM_001130081.3); c.2500G>A (NM_002662.4); short protein forms G834S, G796S.
Identifiers: ClinVar variation 1704369 (VCV001704369.8), dbSNP rs142188788, ClinGen allele CA2704218.